The following is an entry in ClinVar:

NM_000465.4(BARD1):c.1820T>A (p.Val607Asp)

Gene: BARD1 (BRCA1 associated RING domain 1; minus strand). Cytogenetic location: 2q35.
Variant type: single nucleotide variant.
Coding change: c.1820T>A on transcript NM_000465.4 (MANE Select); coding-DNA position 1820, T replaced by A.
Protein change: p.Val607Asp; replaces valine 607 with aspartic acid.
Molecular consequence: missense variant. On other transcripts: non-coding transcript variant (3), intron variant (1).
Genome position (GRCh38, 1-based): chr2:214,745,150, A>T on the plus strand (T>A on the coding strand, the complement: BARD1 is on the minus strand). VCF-style: chr2-214745150-A-T. GRCh37 (hg19) VCF-style: chr2-215609874-A-T.
Other names: c.1763T>A, p.Val588Asp (NM_001282543.2); c.467T>A, p.Val156Asp (NM_001282545.2); c.410T>A, p.Val137Asp (NM_001282548.2); c.365-14642T>A (NM_001282549.2); short protein forms V137D, V156D, V588D, V607D.
Identifiers: ClinVar variation 1017608 (VCV001017608.9), dbSNP rs1693042837, ClinGen allele CA350452332.

ClinVar aggregate classification (germline): Uncertain significance (1 of 4 stars; one submission).

Conditions:
Familial cancer of breast. Also called: Hereditary breast cancer; BREAST CANCER, FAMILIAL; hereditary breast carcinoma. Identifiers: Orphanet 227535, MedGen C0346153, MONDO:0016419, OMIM 114480. Disease mechanism: loss of function.

Submission:

Labcorp Genetics (formerly Invitae), Labcorp
Classification: Uncertain significance for Familial cancer of breast. Last evaluated: 2020-07-23. Review status: criteria provided, single submitter. Criteria: Invitae Variant Classification Sherloc (09022015). Collection method: clinical testing. Allele origin: germline.
Comment: In summary, the available evidence is currently insufficient to determine the role of this variant in disease. Therefore, it has been classified as a Variant of Uncertain Significance. Algorithms developed to predict the effect of missense changes on protein structure and function (SIFT, PolyPhen-2, Align-GVGD) all suggest that this variant is likely to be disruptive, but these predictions have not been confirmed by published functional studies and their clinical significance is uncertain. This variant has not been reported in the literature in individuals with BARD1-related conditions. This variant is not present in population databases (ExAC no frequency). This sequence change replaces valine with aspartic acid at codon 607 of the BARD1 protein (p.Val607Asp). The valine residue is highly conserved and there is a large physicochemical difference between valine and aspartic acid.